The following is an entry in ClinVar:

ClinVar aggregate classification (germline): Uncertain significance (1 of 4 stars; one submission).

Conditions:
Developmental and epileptic encephalopathy 94 (DEE94). Also called: CHD2-Related Neurodevelopmental Disorders; Epileptic encephalopathy, childhood-onset. Identifiers: Orphanet 1942, Orphanet 2382, MedGen C3809278, MONDO:0014150, OMIM 615369.

Submission:

Labcorp Genetics (formerly Invitae), Labcorp
Classification: Uncertain significance for Developmental and epileptic encephalopathy 94. Last evaluated: 2025-12-09. Review status: criteria provided, single submitter. Criteria: Invitae Variant Classification Sherloc (09022015). Collection method: clinical testing. Allele origin: germline.
Comment: This sequence change replaces glutamic acid, which is acidic and polar, with glutamine, which is neutral and polar, at codon 52 of the CHD2 protein (p.Glu52Gln). This variant is not present in population databases (gnomAD no frequency). This variant has not been reported in the literature in individuals affected with CHD2-related conditions. Invitae Evidence Modeling of protein sequence and biophysical properties (such as structural, functional, and spatial information, amino acid conservation, physicochemical variation, residue mobility, and thermodynamic stability) indicates that this missense variant is not expected to disrupt CHD2 protein function with a negative predictive value of 95%. In summary, the available evidence is currently insufficient to determine the role of this variant in disease. Therefore, it has been classified as a Variant of Uncertain Significance.

NM_001271.4(CHD2):c.154G>C (p.Glu52Gln)

Gene: CHD2 (chromodomain helicase DNA binding protein 2; plus strand). Cytogenetic location: 15q26.1.
Variant type: single nucleotide variant.
Coding change: c.154G>C on transcript NM_001271.4 (MANE Select); coding-DNA position 154, G replaced by C.
Protein change: p.Glu52Gln; replaces glutamic acid 52 with glutamine.
Molecular consequence: missense variant.
Genome position (GRCh38, 1-based): chr15:92,924,412, G>C. VCF-style: chr15-92924412-G-C. GRCh37 (hg19) VCF-style: chr15-93467642-G-C.
Other names: c.154G>C, p.Glu52Gln (NM_001042572.3); short protein forms E52Q.
Identifiers: ClinVar variation 4809422 (VCV004809422.1).